The following is an entry in ClinVar:

ClinVar aggregate classification (germline): Conflicting classifications of pathogenicity. Review status: criteria provided, conflicting classifications (1 of 4 stars). 2 submissions from 2 submitters: Likely pathogenic (1); Uncertain significance (1). Last evaluated 2026-07-01.

Conditions:
Glycogen storage disease, type II (IOPD). Also called: CARDIOMEGALIA GLYCOGENICA DIFFUSA; GLYCOGENOSIS, GENERALIZED, CARDIAC FORM; GSD II; Glycogen storage disease type 2; Acid maltase deficiency disease; Aglucosidase alfa. Identifiers: Orphanet 365, MedGen C0017921, MONDO:0009290, OMIM 232300.

Submissions (2):

Genomenon, Inc
Classification: Uncertain significance for Glycogen storage disease, type II. Last evaluated: 2026-07-01. Review status: criteria provided, single submitter. Criteria: Genomenon Sequence Variant Interpretation Standards - Updated. Collection method: curation. Allele origin: germline. Affected: yes.
Comment: GAA p.Gly908AlafsTer35 (c.2723del) is a frameshift variant that is predicted to introduce a premature termination codon and result in a truncated or absent protein product. This variant has been observed in at least one proband with a GAA-related disorder in the compound heterozygous and/or homozygous state (PMID:40952111). It is absent or not present at a significant frequency in gnomAD. In conclusion, we classify GAA p.Gly908AlafsTer35 (c.2723del) as a variant of uncertain significance.

Baylor Genetics
Classification: Likely pathogenic for Glycogen storage disease, type II. Last evaluated: 2023-05-23. Review status: criteria provided, single submitter. Criteria: ACMG Guidelines, 2015. Collection method: clinical testing. Allele origin: unknown.

Literature cited by the submitters: PubMed 40952111 (cited by Genomenon, Inc).

NM_000152.5(GAA):c.2723del (p.Gly908fs)

Gene: GAA (alpha glucosidase; plus strand). Cytogenetic location: 17q25.3.
Variant type: Deletion.
Coding change: c.2723del on transcript NM_000152.5 (MANE Select); coding-DNA position 2723, one base deleted (G; older notation c.2723delG).
Protein change: p.Gly908fs; shifts the reading frame from glycine 908.
Molecular consequence: frameshift variant.
Genome position (GRCh38, 1-based): chr17:80,118,729, G deleted; the last of 3 consecutive G bases (chr17:80,118,727-80,118,729); deleting any one gives the same sequence. VCF-style (leftmost placement, unchanged base first): chr17-80118726-TG-T. GRCh37 (hg19) VCF-style: chr17-78092525-TG-T.
Other names: c.2723del, p.Gly908fs (NM_001079803.3, NM_001079804.3, NM_001406741.1 and 1 more transcripts); short protein forms G908fs.
Identifiers: ClinVar variation 2675772 (VCV002675772.2), dbSNP rs2510404506, ClinGen allele CA2695200362.
Genomic context (GRCh38, chr17:80,118,726, plus strand): 5'-ATGAGCTGGTACGTGTGACCAGTGAGGGAGCTGGCCTGCAGCTGCAGAAGGTGACTGTCC[TG>T]GGCGTGGCCACGGCGCCCCAGCAGGTCCTCTCCAACGGTGTCCCTGTCTCCAACTTCACC-3'